The following is an entry in ClinVar:

NM_000080.4(CHRNE):c.1028G>T (p.Arg343Leu)

Gene: CHRNE (cholinergic receptor nicotinic epsilon subunit; minus strand). Cytogenetic location: 17p13.2.
Variant type: single nucleotide variant.
Coding change: c.1028G>T on transcript NM_000080.4 (MANE Select); coding-DNA position 1028, G replaced by T.
Protein change: p.Arg343Leu; replaces arginine 343 with leucine.
Molecular consequence: missense variant.
Genome position (GRCh38, 1-based): chr17:4,899,472, C>A on the plus strand (G>T on the coding strand, the complement: CHRNE is on the minus strand). VCF-style: chr17-4899472-C-A. GRCh37 (hg19) VCF-style: chr17-4802767-C-A.
Other names: short protein forms R343L.
Identifiers: ClinVar variation 3001893 (VCV003001893.3), dbSNP rs2507543417, ClinGen allele CA397300776.

ClinVar aggregate classification (germline): Uncertain significance (1 of 4 stars; one submission).

Conditions:
Congenital myasthenic syndrome 4A. Also called: Myasthenic syndrome, congenital, 4a, slow-channel; MYASTHENIC SYNDROME, CONGENITAL, 4A, SLOW-CHANNEL, AUTOSOMAL RECESSIVE; CONGENITAL MYASTHENIC SYNDROME TYPE Ia1. Identifiers: Orphanet 590, MedGen C4225413, MONDO:0011600, OMIM 605809.

Submission:

Labcorp Genetics (formerly Invitae), Labcorp
Classification: Uncertain significance for Congenital myasthenic syndrome 4A. Last evaluated: 2023-08-14. Review status: criteria provided, single submitter. Criteria: Invitae Variant Classification Sherloc (09022015). Collection method: clinical testing. Allele origin: germline.
Comment: This sequence change replaces arginine, which is basic and polar, with leucine, which is neutral and non-polar, at codon 343 of the CHRNE protein (p.Arg343Leu). This variant is not present in population databases (gnomAD no frequency). This variant has not been reported in the literature in individuals affected with CHRNE-related conditions. Advanced modeling of protein sequence and biophysical properties (such as structural, functional, and spatial information, amino acid conservation, physicochemical variation, residue mobility, and thermodynamic stability) has been performed at Invitae for this missense variant, however the output from this modeling did not meet the statistical confidence thresholds required to predict the impact of this variant on CHRNE protein function. In summary, the available evidence is currently insufficient to determine the role of this variant in disease. Therefore, it has been classified as a Variant of Uncertain Significance.